The following is an entry in ClinVar:

ClinVar aggregate classification (germline): Uncertain significance (1 of 4 stars; one submission).

Conditions:
Spermatogenic failure 18. Identifiers: MedGen C4539783, MONDO:0054615, OMIM 617576.
Ciliary dyskinesia, primary, 37 (CILD37). Also called: CILIARY DYSKINESIA, PRIMARY, 37, WITH OR WITHOUT SITUS INVERSUS. Identifiers: MedGen C4539798, MONDO:0033204, OMIM 617577.

Allele frequency attached by ClinVar (database versions not stated): ExAC 0.00001; gnomAD exomes 0.00004.
gnomAD v4.1: 53 of 1,613,984 alleles (0.0033%); highest among the groups gnomAD compares: Non-Finnish European, 0.0044%; no homozygotes.

Submission:

Labcorp Genetics (formerly Invitae), Labcorp
Classification: Uncertain significance for Ciliary dyskinesia, primary, 37; Spermatogenic failure 18. Last evaluated: 2022-07-24. Review status: criteria provided, single submitter. Criteria: Invitae Variant Classification Sherloc (09022015). Collection method: clinical testing. Allele origin: germline.
Comment: This sequence change replaces isoleucine, which is neutral and non-polar, with valine, which is neutral and non-polar, at codon 808 of the DNAH1 protein (p.Ile808Val). This variant is present in population databases (rs780597987, gnomAD 0.0009%). This variant has not been reported in the literature in individuals affected with DNAH1-related conditions. Algorithms developed to predict the effect of missense changes on protein structure and function output the following: SIFT: "Tolerated"; PolyPhen-2: "Benign"; Align-GVGD: "Class C0". The valine amino acid residue is found in multiple mammalian species, which suggests that this missense change does not adversely affect protein function. In summary, the available evidence is currently insufficient to determine the role of this variant in disease. Therefore, it has been classified as a Variant of Uncertain Significance.

NM_015512.5(DNAH1):c.2422A>G (p.Ile808Val)

Gene: DNAH1 (dynein axonemal heavy chain 1; plus strand). Cytogenetic location: 3p21.1.
Variant type: single nucleotide variant.
Coding change: c.2422A>G on transcript NM_015512.5 (MANE Select); coding-DNA position 2422, A replaced by G.
Protein change: p.Ile808Val; replaces isoleucine 808 with valine.
Molecular consequence: missense variant.
Genome position (GRCh38, 1-based): chr3:52,349,316, A>G. VCF-style: chr3-52349316-A-G. GRCh37 (hg19) VCF-style: chr3-52383332-A-G.
Other names: short protein forms I808V.
Identifiers: ClinVar variation 1948539 (VCV001948539.5), dbSNP rs780597987, ClinGen allele CA2433249.